The following is an entry in ClinVar:

ClinVar aggregate classification (germline): Uncertain significance (1 of 4 stars; one submission).

Conditions:
Distal myopathy with posterior leg and anterior hand involvement. Also called: WILLIAMS DISTAL MYOPATHY. Identifiers: Orphanet 63273, MedGen C3279722, MONDO:0013550, OMIM 614065.
Hypertrophic cardiomyopathy 26. Also called: Cardiomyopathy, familial hypertrophic, 26. Identifiers: Orphanet 75249, MedGen C4310749, MONDO:0014883, OMIM 617047.
Myofibrillar myopathy 5. Also called: Filaminopathy (type); FILAMINOPATHY, AUTOSOMAL DOMINANT. Identifiers: Orphanet 171445, MedGen C1836050, MONDO:0012289, OMIM 609524.

Submission:

Labcorp Genetics (formerly Invitae), Labcorp
Classification: Uncertain significance for Distal myopathy with posterior leg and anterior hand involvement; Myofibrillar myopathy 5; Hypertrophic cardiomyopathy 26. Last evaluated: 2024-06-11. Review status: criteria provided, single submitter. Criteria: Invitae Variant Classification Sherloc (09022015). Collection method: clinical testing. Allele origin: germline.
Comment: This sequence change replaces proline, which is neutral and non-polar, with leucine, which is neutral and non-polar, at codon 2447 of the FLNC protein (p.Pro2447Leu). This variant is not present in population databases (gnomAD no frequency). This variant has not been reported in the literature in individuals affected with FLNC-related conditions. Advanced modeling of protein sequence and biophysical properties (such as structural, functional, and spatial information, amino acid conservation, physicochemical variation, residue mobility, and thermodynamic stability) performed at Invitae indicates that this missense variant is not expected to disrupt FLNC protein function with a negative predictive value of 95%. In summary, the available evidence is currently insufficient to determine the role of this variant in disease. Therefore, it has been classified as a Variant of Uncertain Significance.

NM_001458.5(FLNC):c.7340C>T (p.Pro2447Leu)

Genes: FLNC (filamin C; plus strand), FLNC-AS1 (FLNC antisense RNA 1; minus strand). Cytogenetic location: 7q32.1.
Variant type: single nucleotide variant.
Coding change: c.7340C>T on transcript NM_001458.5 (MANE Select); coding-DNA position 7340, C replaced by T.
Protein change: p.Pro2447Leu; replaces proline 2447 with leucine.
Molecular consequence: missense variant.
Genome position (GRCh38, 1-based): chr7:128,856,606, C>T. VCF-style: chr7-128856606-C-T. GRCh37 (hg19) VCF-style: chr7-128496660-C-T.
Other names: c.7241C>T, p.Pro2414Leu (NM_001127487.2); short protein forms P2414L, P2447L.
Identifiers: ClinVar variation 3756771 (VCV003756771.2).